The following is an entry in ClinVar:

NM_177438.3(DICER1):c.1268A>G (p.Glu423Gly)

Gene: DICER1 (dicer 1, ribonuclease III; minus strand). Cytogenetic location: 14q32.13.
Variant type: single nucleotide variant.
Coding change: c.1268A>G on transcript NM_177438.3 (MANE Select); coding-DNA position 1268, A replaced by G.
Protein change: p.Glu423Gly; replaces glutamic acid 423 with glycine.
Molecular consequence: missense variant. On other transcripts: 5 prime UTR variant (1), non-coding transcript variant (6).
Genome position (GRCh38, 1-based): chr14:95,124,304, T>C on the plus strand (A>G on the coding strand, the complement: DICER1 is on the minus strand). VCF-style: chr14-95124304-T-C. GRCh37 (hg19) VCF-style: chr14-95590641-T-C.
Other names: c.1268A>G, p.Glu423Gly (NM_001195573.1, NM_001271282.3, NM_001291628.2 and 15 more transcripts); c.986A>G, p.Glu329Gly (NM_001395686.1); c.863A>G, p.Glu288Gly (NM_001395687.1, NM_001395688.1, NM_001395689.1 and 3 more transcripts); c.701A>G, p.Glu234Gly (NM_001395691.1); c.-301A>G (NM_001395697.1); short protein forms E329G, E234G, E423G, E288G.
Identifiers: ClinVar variation 2826481 (VCV002826481.3), dbSNP rs2543174273, ClinGen allele CA390886397.

ClinVar aggregate classification (germline): Uncertain significance (1 of 4 stars; one submission).

Conditions:
DICER1-related tumor predisposition. Also called: DICER1-related pleuropulmonary blastoma cancer predisposition syndrome; DICER1 syndrome. Identifiers: Orphanet 284343, MedGen C3839822, MONDO:0100216.

Submission:

Labcorp Genetics (formerly Invitae), Labcorp
Classification: Uncertain significance for DICER1-related tumor predisposition. Last evaluated: 2023-09-05. Review status: criteria provided, single submitter. Criteria: Invitae Variant Classification Sherloc (09022015). Collection method: clinical testing. Allele origin: germline.
Comment: In summary, the available evidence is currently insufficient to determine the role of this variant in disease. Therefore, it has been classified as a Variant of Uncertain Significance. An algorithm developed to predict the effect of missense changes on protein structure and function (PolyPhen-2) suggests that this variant is likely to be tolerated. This variant has not been reported in the literature in individuals affected with DICER1-related conditions. This variant is not present in population databases (gnomAD no frequency). This sequence change replaces glutamic acid, which is acidic and polar, with glycine, which is neutral and non-polar, at codon 423 of the DICER1 protein (p.Glu423Gly).